The following is an entry in ClinVar:

NM_001040108.2(MLH3):c.2684G>A (p.Arg895His)

Gene: MLH3 (mutL homolog 3; minus strand). Cytogenetic location: 14q24.3.
Variant type: single nucleotide variant.
Coding change: c.2684G>A on transcript NM_001040108.2 (MANE Select); coding-DNA position 2684, G replaced by A.
Protein change: p.Arg895His; replaces arginine 895 with histidine.
Molecular consequence: missense variant.
Genome position (GRCh38, 1-based): chr14:75,046,972, C>T on the plus strand (G>A on the coding strand, the complement: MLH3 is on the minus strand). VCF-style: chr14-75046972-C-T. GRCh37 (hg19) VCF-style: chr14-75513675-C-T.
Other names: c.2684G>A, p.Arg895His (NM_014381.3); short protein forms R895H.
Identifiers: ClinVar variation 887253 (VCV000887253.14), dbSNP rs186838169, ClinGen allele CA7275655.

ClinVar aggregate classification (germline): Conflicting classifications of pathogenicity. Review status: criteria provided, conflicting classifications (1 of 4 stars). 3 submissions from 3 submitters: Uncertain significance (2); Benign (1). Last evaluated 2025-12-27.

Conditions:
Colorectal cancer, hereditary nonpolyposis, type 7. Identifiers: Orphanet 144, MedGen C1858380, MONDO:0013725, OMIM 614385.

Allele frequency attached by ClinVar (database versions not stated): gnomAD 0.00003; TOPMed 0.00003; gnomAD exomes 0.00004 and 0.00008; ExAC 0.00010; 1000 Genomes Project 0.00020; 1000 Genomes Project 30x 0.00031.
gnomAD v4.1: 72 of 1,614,148 alleles (0.0045%); highest among the groups gnomAD compares: East Asian, 0.027%; no homozygotes.

Submissions (3):

Labcorp Genetics (formerly Invitae), Labcorp
Classification: Uncertain significance for Colorectal cancer, hereditary nonpolyposis, type 7. Last evaluated: 2025-12-27. Review status: criteria provided, single submitter. Criteria: Invitae Variant Classification Sherloc (09022015). Collection method: clinical testing. Allele origin: germline.
Comment: This sequence change replaces arginine, which is basic and polar, with histidine, which is basic and polar, at codon 895 of the MLH3 protein (p.Arg895His). This variant is present in population databases (rs186838169, gnomAD 0.06%), and has an allele count higher than expected for a pathogenic variant. This variant has not been reported in the literature in individuals affected with MLH3-related conditions. ClinVar contains an entry for this variant (Variation ID: 887253). An algorithm developed to predict the effect of missense changes on protein structure and function outputs the following: PolyPhen-2: "Benign". The histidine amino acid residue is found in multiple mammalian species, which suggests that this missense change does not adversely affect protein function. In summary, the available evidence is currently insufficient to determine the role of this variant in disease. Therefore, it has been classified as a Variant of Uncertain Significance.

Ambry Genetics
Classification: Benign. Last evaluated: 2021-03-01. Review status: criteria provided, single submitter. Criteria: Ambry Variant Classification Scheme 2023. Collection method: clinical testing. Allele origin: germline.

Illumina Laboratory Services, Illumina
Classification: Uncertain significance for Colorectal cancer, hereditary nonpolyposis, type 7. Last evaluated: 2018-01-12. Review status: criteria provided, single submitter. Criteria: ICSL Variant Classification Criteria 13 December 2019. Collection method: clinical testing. Allele origin: germline.